The following is an entry in ClinVar:

ClinVar aggregate classification (germline): Uncertain significance (1 of 4 stars; one submission).

gnomAD v4.1: 1 of 1,612,838 alleles (0.000062%); highest among the groups gnomAD compares: Non-Finnish European, 0.000085%; no homozygotes.

Submission:

Labcorp Genetics (formerly Invitae), Labcorp
Classification: Uncertain significance. Last evaluated: 2023-07-17. Review status: criteria provided, single submitter. Criteria: Invitae Variant Classification Sherloc (09022015). Collection method: clinical testing. Allele origin: germline.
Comment: In summary, the available evidence is currently insufficient to determine the role of this variant in disease. Therefore, it has been classified as a Variant of Uncertain Significance. Advanced modeling of protein sequence and biophysical properties (such as structural, functional, and spatial information, amino acid conservation, physicochemical variation, residue mobility, and thermodynamic stability) performed at Invitae indicates that this missense variant is not expected to disrupt CPLANE1 protein function. ClinVar contains an entry for this variant (Variation ID: 1518561). This variant has not been reported in the literature in individuals affected with CPLANE1-related conditions. This variant is not present in population databases (gnomAD no frequency). This sequence change replaces glycine, which is neutral and non-polar, with serine, which is neutral and polar, at codon 1921 of the CPLANE1 protein (p.Gly1921Ser).

NM_001384732.1(CPLANE1):c.5761G>A (p.Gly1921Ser)

Gene: CPLANE1 (ciliogenesis and planar polarity effector complex subunit 1; minus strand). Cytogenetic location: 5p13.2.
Variant type: single nucleotide variant.
Coding change: c.5761G>A on transcript NM_001384732.1 (MANE Select); coding-DNA position 5761, G replaced by A.
Protein change: p.Gly1921Ser; replaces glycine 1921 with serine.
Molecular consequence: missense variant.
Genome position (GRCh38, 1-based): chr5:37,179,420, C>T on the plus strand (G>A on the coding strand, the complement: CPLANE1 is on the minus strand). VCF-style: chr5-37179420-C-T. GRCh37 (hg19) VCF-style: chr5-37179522-C-T.
Other names: c.5761G>A, p.Gly1921Ser (NM_023073.4); short protein forms G1921S.
Identifiers: ClinVar variation 1518561 (VCV001518561.6), dbSNP rs2151089788, ClinGen allele CA359488959.